The following is an entry in ClinVar:

ClinVar aggregate classification (germline): Uncertain significance (1 of 4 stars; one submission).

Conditions:
Tuberous sclerosis 1 (TSC1). Identifiers: Orphanet 805, MedGen C1854465, MONDO:0008612, OMIM 191100.

Submission:

Labcorp Genetics (formerly Invitae), Labcorp
Classification: Uncertain significance for Tuberous sclerosis 1. Last evaluated: 2023-11-07. Review status: criteria provided, single submitter. Criteria: Invitae Variant Classification Sherloc (09022015). Collection method: clinical testing. Allele origin: germline.
Comment: This sequence change replaces arginine, which is basic and polar, with proline, which is neutral and non-polar, at codon 160 of the TSC1 protein (p.Arg160Pro). This variant is not present in population databases (gnomAD no frequency). This variant has not been reported in the literature in individuals affected with TSC1-related conditions. Advanced modeling of protein sequence and biophysical properties (such as structural, functional, and spatial information, amino acid conservation, physicochemical variation, residue mobility, and thermodynamic stability) performed at Invitae indicates that this missense variant is not expected to disrupt TSC1 protein function with a negative predictive value of 95%. In summary, the available evidence is currently insufficient to determine the role of this variant in disease. Therefore, it has been classified as a Variant of Uncertain Significance.

NM_000368.5(TSC1):c.479G>C (p.Arg160Pro)

Gene: TSC1 (TSC complex subunit 1; minus strand). Cytogenetic location: 9q34.13.
Variant type: single nucleotide variant.
Coding change: c.479G>C on transcript NM_000368.5 (MANE Select); coding-DNA position 479, G replaced by C.
Protein change: p.Arg160Pro; replaces arginine 160 with proline.
Molecular consequence: missense variant. On other transcripts: 5 prime UTR variant (5), non-coding transcript variant (5).
Genome position (GRCh38, 1-based): chr9:132,923,377, C>G on the plus strand (G>C on the coding strand, the complement: TSC1 is on the minus strand). VCF-style: chr9-132923377-C-G. GRCh37 (hg19) VCF-style: chr9-135798764-C-G.
Other names: c.479G>C, p.Arg160Pro (NM_001162426.2, NM_001406592.1, NM_001406593.1 and 16 more transcripts); c.326G>C, p.Arg109Pro (NM_001162427.2, NM_001406610.1, NM_001406611.1 and 2 more transcripts); c.116G>C, p.Arg39Pro (NM_001362177.2, NM_001406616.1, NM_001406617.1 and 10 more transcripts); c.-399G>C (NM_001406626.1, NM_001406627.1, NM_001406628.1); c.-541G>C (NM_001406629.1); c.-615G>C (NM_001406630.1); short protein forms R109P, R160P, R39P.
Identifiers: ClinVar variation 2693961 (VCV002693961.3), dbSNP rs749979841, ClinGen allele CA375373224.